The following is an entry in ClinVar:

ClinVar aggregate classification (germline): Pathogenic (1 of 4 stars; one submission).

Conditions:
Hypohidrotic X-linked ectodermal dysplasia (XHED). Also called: ECTODERMAL DYSPLASIA, HYPOHIDROTIC, 1; CST SYNDROME; ECTODERMAL DYSPLASIA 1; Ectodermal Dysplasia 1, Anhidrotic; Anhidrotic ectodermal dysplasia X-linked; Christ Siemens Touraine syndrome. Identifiers: Orphanet 181, Orphanet 238468, MedGen C0162359, MONDO:0010585, OMIM 305100.

Submissions (2):

Victorian Clinical Genetics Services, Murdoch Childrens Research Institute
Classification: Pathogenic for Hypohidrotic X-linked ectodermal dysplasia. Last evaluated: 2025-04-14. Review status: criteria provided, single submitter. Criteria: ACMG Guidelines, 2015. Collection method: clinical testing. Allele origin: germline.
Comment: This variant is classified as Pathogenic. Evidence in support of pathogenic classification: Variant is absent from gnomAD (v2, v3 and v4); This variant has limited previous evidence of pathogenicity in unrelated individual(s). This variant was identified de novo hemizygous in an individual with X-linked hypohidrotic ectodermal dysplasia (XLHED) (PMID:33222196); Other missense variant(s) comparable to the one identified in this case have strong previous evidence for pathogenicity. p.(Gln306Pro) and p.(Gln306Arg) have been classified as pathogenic and likely pathogenic, respectively, and p.(Gln306Leu) has been classified VUS by clinical laboratories (ClinVar). In addition, p.(Gln306Arg) and p.(Gln306His) have been reported in unrelated hemizygous individuals with anhidrotic ectodermal dysplasia (HED) (PMIDs: 28045201, 12932274, 27264909), and p.(Gln306Arg) has been reported in three related heterozygous individuals affected with HED (PMID: 33622384); Missense variant predicted to be damaging by in silico tool(s) or highly conserved with a major amino acid change. Additional information: This variant is heterozygous; This gene is associated with both recessive and dominant disease. Female carriers of variants causing either condition may be unaffected or mildly affected, depending on skewed X-inactivation (PMID:18510547, 16583127); No published functional evidence has been identified for this variant; Variant is located in the annotated tumour necrosis factor (TNF) family domain (DECIPHER); Loss of function is a known mechanism of disease in this gene and is associated with X-linked ectodermal dysplasia 1, hypohidrotic (HED; MIM#305100) and X-linked dominant tooth agenesis, selective 1 (TA; MIM#313500)

Dr. Peter K. Rogan Lab, Western University
No classification provided (evidence only). Condition: Thyroid cancer, nonmedullary, 1. Review status: no classification provided. Collection method: in vitro. Allele origin: not applicable. Functional consequence: skipped exon. Not counted in ClinVar's aggregate classification.

Literature cited by the submitters: PubMed 27264909 (cited by Victorian Clinical Genetics Services, Murdoch Childrens Research Institute); PubMed 16583127 (cited by Victorian Clinical Genetics Services, Murdoch Childrens Research Institute); PubMed 12932274 (cited by Victorian Clinical Genetics Services, Murdoch Childrens Research Institute); PubMed 28045201 (cited by Victorian Clinical Genetics Services, Murdoch Childrens Research Institute); PubMed 33622384 (cited by Victorian Clinical Genetics Services, Murdoch Childrens Research Institute); PubMed 33222196 (cited by Victorian Clinical Genetics Services, Murdoch Childrens Research Institute); PubMed 18510547 (cited by Victorian Clinical Genetics Services, Murdoch Childrens Research Institute).

NM_001399.5(EDA):c.916C>A (p.Gln306Lys)

Gene: EDA (ectodysplasin A; plus strand). Cytogenetic location: Xq13.1.
Variant type: single nucleotide variant.
Coding change: c.916C>A on transcript NM_001399.5 (MANE Select); coding-DNA position 916, C replaced by A.
Protein change: p.Gln306Lys; replaces glutamine 306 with lysine.
Molecular consequence: missense variant. On other transcripts: intron variant (1).
Genome position (GRCh38, 1-based): chrX:70,033,520, C>A. VCF-style: chrX-70033520-C-A. GRCh37 (hg19) VCF-style: chrX-69253370-C-A.
Other names: NC_000023.10:g.69253370C>A; c.916C>A, p.Gln306Lys (NM_001005609.2); c.907C>A, p.Gln303Lys (NM_001005612.3, NM_001440761.1); c.882+34C>A (NM_001440762.1); short protein forms Q306K, Q303K.
Identifiers: ClinVar variation 4495877 (VCV004495877.2).
Genomic context (GRCh38, chrX:70,033,520, plus strand): 5'-CTACATCCCCGCAGCGGGGAGCTGGAGGTACTGGTGGACGGCACCTACTTCATCTATAGT[C>A]AGGTAGAAGTGAGTACGGTCTTAGGCCTAACTCTTCTTATATCCAGAATGCAGATCCGGT-3'
Protein context (NP_001390.1, residues 296-316): LVDGTYFIYS[Gln306Lys]VEVYYINFTD